The following is an entry in ClinVar:

NM_000051.4(ATM):c.2555A>C (p.Gln852Pro)

Gene: ATM (ATM serine/threonine kinase; plus strand). Cytogenetic location: 11q22.3.
Variant type: single nucleotide variant.
Coding change: c.2555A>C on transcript NM_000051.4 (MANE Select); coding-DNA position 2555, A replaced by C.
Protein change: p.Gln852Pro; replaces glutamine 852 with proline.
Molecular consequence: missense variant.
Genome position (GRCh38, 1-based): chr11:108,267,259, A>C. VCF-style: chr11-108267259-A-C. GRCh37 (hg19) VCF-style: chr11-108137986-A-C.
Other names: c.2555A>C, p.Gln852Pro (NM_001351834.2); short protein forms Q852P.
Identifiers: ClinVar variation 482691 (VCV000482691.5), dbSNP rs1265258461, ClinGen allele CA382543755.

ClinVar aggregate classification (germline): Uncertain significance (1 of 4 stars; one submission).

Conditions:
Hereditary cancer-predisposing syndrome. Also called: Neoplastic Syndromes, Hereditary; Tumor predisposition; Hereditary Cancer Syndrome; Hereditary neoplastic syndrome. Identifiers: Orphanet 140162, MedGen C0027672, MeSH D009386, MONDO:0015356.

Submission:

Ambry Genetics
Classification: Uncertain significance for Hereditary cancer-predisposing syndrome. Last evaluated: 2017-02-15. Review status: criteria provided, single submitter. Criteria: Ambry Variant Classification Scheme 2023. Collection method: clinical testing. Allele origin: germline.
Comment: The p.Q852P variant (also known as c.2555A>C), located in coding exon 16 of the ATM gene, results from an A to C substitution at nucleotide position 2555. The glutamine at codon 852 is replaced by proline, an amino acid with similar properties. This amino acid position is well conserved in available vertebrate species. In addition, this alteration is predicted to be tolerated by in silico analysis. Since supporting evidence is limited at this time, the clinical significance of this alteration remains unclear.